The following is an entry in ClinVar:

ClinVar aggregate classification (germline): Pathogenic. Review status: criteria provided, multiple submitters, no conflicts (2 of 4 stars). 2 submissions from 2 submitters: Pathogenic (2). Last evaluated 2021-02-25.

Conditions:
Intellectual developmental disorder, autosomal dominant 58. Also called: MENTAL RETARDATION, AUTOSOMAL DOMINANT 58; Intellectual disability, autosomal dominant 58. Identifiers: MedGen C4748195, MONDO:0020847, OMIM 618106.

Submissions (2):

Undiagnosed Diseases Network, NIH
Classification: Pathogenic for Intellectual developmental disorder, autosomal dominant 58. Last evaluated: 2021-02-25. Review status: criteria provided, single submitter. Criteria: ACMG Guidelines, 2015. Collection method: clinical testing. Allele origin: de novo. Inheritance: Autosomal dominant inheritance. Affected: yes. Observed: 1 variant allele, 1 heterozygote. Study: Undiagnosed Diseases Network (NIH), UDN.

Labcorp Genetics (formerly Invitae), Labcorp
Classification: Pathogenic. Last evaluated: 2021-02-24. Review status: criteria provided, single submitter. Criteria: Invitae Variant Classification Sherloc (09022015). Collection method: clinical testing. Allele origin: germline.
Comment: This sequence change falls in intron 6 of the SET gene. It does not directly change the encoded amino acid sequence of the SET protein. It affects a nucleotide within the consensus splice site of the intron. This variant is not present in population databases (ExAC no frequency). This variant has been observed in individual(s) with clinical features of SET-related intellectual disability (Invitae). In at least one individual the variant was observed to be de novo. Nucleotide substitutions within the consensus splice site are a relatively common cause of aberrant splicing (PMID: 17576681, 9536098). Algorithms developed to predict the effect of sequence changes on RNA splicing suggest that this variant may disrupt the consensus splice site, but this prediction has not been confirmed by published transcriptional studies. For these reasons, this variant has been classified as Pathogenic.

Literature cited by the submitters: PubMed 17576681 (cited by Labcorp Genetics (formerly Invitae), Labcorp); PubMed 9536098 (cited by Labcorp Genetics (formerly Invitae), Labcorp).

NM_003011.4(SET):c.663+5G>C

Gene: SET (SET nuclear proto-oncogene; plus strand). Cytogenetic location: 9q34.11.
Variant type: single nucleotide variant.
Coding change: c.663+5G>C on transcript NM_003011.4 (MANE Select); 5 bases into the intron after coding-DNA position 663, G replaced by C.
Molecular consequence: intron variant.
Genome position (GRCh38, 1-based): chr9:128,693,813, G>C. VCF-style: chr9-128693813-G-C. GRCh37 (hg19) VCF-style: chr9-131456092-G-C.
Other names: c.702+5G>C (NM_001374326.1, NM_001122821.2); c.636+5G>C (NM_001248000.2); c.630+5G>C (NM_001248001.2).
Identifiers: ClinVar variation 860686 (VCV000860686.12), dbSNP rs1861628072, ClinGen allele CA916083070.